The following is an entry in ClinVar:

ClinVar aggregate classification (germline): Uncertain significance (1 of 4 stars; one submission).

Submission:

Dasa
Classification: Uncertain significance. Last evaluated: 2026-04-06. Review status: criteria provided, single submitter. Criteria: DASA Assertion Criteria. Collection method: clinical testing. Allele origin: germline.
Comment: NM_015107.3(PHF8):c.1909+79G>T is an intronic variant. This variant is rare in population databases. The currently available literature and clinical evidence are not sufficient to establish a definitive association between this variant and the reported condition. Therefore, this variant is classified as a variant of uncertain significance.

NM_015107.3(PHF8):c.1909+79G>T

Gene: PHF8 (PHD finger protein 8; minus strand). Cytogenetic location: Xp11.22.
Variant type: single nucleotide variant.
Coding change: c.1909+79G>T on transcript NM_015107.3 (MANE Select); 79 bases into the intron after coding-DNA position 1909, G replaced by T.
Molecular consequence: intron variant.
Genome position (GRCh38, 1-based): chrX:53,987,687, C>A on the plus strand (G>T on the coding strand, the complement: PHF8 is on the minus strand). VCF-style: chrX-53987687-C-A. GRCh37 (hg19) VCF-style: chrX-54014120-C-A.
Other names: c.1714+79G>T (NM_001441096.1, NM_001441098.1); c.2017+79G>T (NM_001184896.1, NM_001441097.1); c.1606+79G>T (NM_001184897.2); c.1909+79G>T (NM_001184898.2).
Identifiers: ClinVar variation 4885557 (VCV004885557.2).